The following is an entry in ClinVar:

NM_007294.4(BRCA1):c.3403C>G (p.Gln1135Glu)

Genes: BRCA1 (BRCA1 DNA repair associated; minus strand), LOC126862571 (BRD4-independent group 4 enhancer GRCh37_chr17:41243136-41244335; plus strand). Cytogenetic location: 17q21.31.
Variant type: single nucleotide variant.
Coding change: c.3403C>G on transcript NM_007294.4 (MANE Select); coding-DNA position 3403, C replaced by G.
Protein change: p.Gln1135Glu; replaces glutamine 1135 with glutamic acid.
Molecular consequence: missense variant. On other transcripts: intron variant (135).
Genome position (GRCh38, 1-based): chr17:43,092,128, G>C on the plus strand (C>G on the coding strand, the complement: BRCA1 is on the minus strand). VCF-style: chr17-43092128-G-C. GRCh37 (hg19) VCF-style: chr17-41244145-G-C.
Other names: c.3400C>G, p.Gln1134Glu (NM_001407587.1, NM_001407590.1, NM_001407591.1 and 22 more transcripts); c.3403C>G, p.Gln1135Glu (NM_001407593.1, NM_001407594.1, NM_001407596.1 and 30 more transcripts); c.3394C>G, p.Gln1132Glu (NM_001407646.1, NM_001407647.1); c.3280C>G, p.Gln1094Glu (NM_001407648.1, NM_001407664.1, NM_001407665.1 and 19 more transcripts); c.3277C>G, p.Gln1093Glu (NM_001407649.1, NM_001407670.1, NM_001407671.1 and 11 more transcripts); c.3325C>G, p.Gln1109Glu (NM_001407653.1, NM_001407654.1, NM_001407655.1 and 4 more transcripts); c.3322C>G, p.Gln1108Glu (NM_001407659.1, NM_001407660.1, NM_001407661.1 and 1 more transcripts); c.3262C>G, p.Gln1088Glu (NM_001407692.1, NM_001407694.1, NM_001407695.1 and 29 more transcripts); and 41 more; short protein forms Q1135E, Q1088E, Q1046E, Q1067E, Q1109E, Q267E, Q1007E, Q1023E.
Identifiers: ClinVar variation 240792 (VCV000240792.19), dbSNP rs80357136, ClinGen allele CA057887.

ClinVar aggregate classification (germline): Conflicting classifications of pathogenicity. Review status: criteria provided, conflicting classifications (1 of 4 stars). 6 submissions from 6 submitters: Uncertain significance (5); Likely benign (1). Last evaluated 2025-07-28.

Conditions:
Breast-ovarian cancer, familial, susceptibility to, 1 (BROVCA1). Also called: BRCA1 Hereditary Breast and Ovarian Cancer; OVARIAN CANCER, SUSCEPTIBILITY TO. Identifiers: Orphanet 145, MedGen C2676676, MONDO:0011450, OMIM 604370. Disease mechanism: loss of function.
Fanconi anemia, complementation group S (FANCS). Identifiers: MedGen C4554406, MONDO:0054748, OMIM 617883.
Familial cancer of breast. Also called: BREAST CANCER, FAMILIAL; hereditary breast carcinoma; Hereditary breast cancer. Identifiers: Orphanet 227535, MedGen C0346153, MONDO:0016419, OMIM 114480. Disease mechanism: loss of function.
Pancreatic cancer, susceptibility to, 4. Identifiers: Orphanet 1333, MedGen C3280442, MONDO:0013685, OMIM 614320.
Hereditary breast ovarian cancer syndrome. Also called: Hereditary breast and ovarian cancer syndrome (HBOC); Breast and ovarian cancer; Hereditary breast and ovarian cancer syndrome; Hereditary breast and ovarian cancer; BRCA1- and BRCA2-Associated Hereditary Breast and Ovarian Cancer; Hereditary breast and/or ovarian cancer syndrome. Identifiers: Orphanet 145, MedGen C0677776, MeSH D061325, MONDO:0003582. Disease mechanism: loss of function.
Hereditary cancer-predisposing syndrome. Also called: Hereditary Cancer Syndrome; Neoplastic Syndromes, Hereditary; Hereditary neoplastic syndrome; Tumor predisposition. Identifiers: Orphanet 140162, MedGen C0027672, MeSH D009386, MONDO:0015356.

gnomAD v4.1: 2 of 1,613,664 alleles (0.00012%); highest among the groups gnomAD compares: East Asian, 0.0022%; no homozygotes.

Submissions (6):

Ambry Genetics
Classification: Uncertain significance for Hereditary cancer-predisposing syndrome. Last evaluated: 2025-07-28. Review status: criteria provided, single submitter. Criteria: Ambry Variant Classification Scheme 2023. Collection method: clinical testing. Allele origin: germline.
Comment: The p.Q1135E variant (also known as c.3403C>G), located in coding exon 9 of the BRCA1 gene, results from a C to G substitution at nucleotide position 3403. The glutamine at codon 1135 is replaced by glutamic acid, an amino acid with highly similar properties. This variant was identified in 1/826 unselected Chinese ovarian cancer patients (Wu X et al. Int J Gynecol Cancer, 2017 10;27:1650-1657). This amino acid position is not well conserved in available vertebrate species. In addition, the in silico prediction for this alteration is inconclusive. Since supporting evidence is limited at this time, the clinical significance of this alteration remains unclear.

Color Diagnostics, LLC DBA Color Health
Classification: Uncertain significance for Hereditary cancer-predisposing syndrome. Last evaluated: 2025-03-25. Review status: criteria provided, single submitter. Criteria: ACMG Guidelines, 2015. Collection method: clinical testing. Allele origin: germline.
Comment: This missense variant replaces glutamine with glutamic acid at codon 1135 of the BRCA1 protein. Computational prediction is inconclusive regarding the impact of this variant on protein structure and function. To our knowledge, functional studies have not been reported for this variant. This variant has been reported in an individual affected with ovarian cancer (PMID: 28692638). A multifactorial analysis has reported a likelihood ratio for pathogenicity based on personal and family history of 0.48 from log(LR)=-0.3189 for one carrier (PMID: 31853058). This variant has been identified in 2/250876 chromosomes in the general population by the Genome Aggregation Database (gnomAD). The available evidence is insufficient to determine the role of this variant in disease conclusively. Therefore, this variant is classified as a Variant of Uncertain Significance.

University of Washington Department of Laboratory Medicine, University of Washington
Classification: Likely benign for Hereditary cancer-predisposing syndrome. Last evaluated: 2023-03-23. Review status: criteria provided, single submitter. Criteria: Dines et al. (Genet Med. 2020). Collection method: curation. Allele origin: germline.
Comment: Missense variant in a coldspot region where missense variants are very unlikely to be pathogenic (PMID:31911673).

BRCA1 coldspot (exon 11 using historical exon numbering). Reclassification based on statistical prior probability

Labcorp Genetics (formerly Invitae), Labcorp
Classification: Uncertain significance for Hereditary breast ovarian cancer syndrome. Last evaluated: 2022-03-08. Review status: criteria provided, single submitter. Criteria: Invitae Variant Classification Sherloc (09022015). Collection method: clinical testing. Allele origin: germline.
Comment: This sequence change replaces glutamine, which is neutral and polar, with glutamic acid, which is acidic and polar, at codon 1135 of the BRCA1 protein (p.Gln1135Glu). This variant is present in population databases (rs80357136, gnomAD 0.006%). This missense change has been observed in individual(s) with breast or ovarian cancer (PMID: 28692638; Invitae). ClinVar contains an entry for this variant (Variation ID: 240792). Advanced modeling of protein sequence and biophysical properties (such as structural, functional, and spatial information, amino acid conservation, physicochemical variation, residue mobility, and thermodynamic stability) performed at Invitae indicates that this missense variant is not expected to disrupt BRCA1 protein function. In summary, the available evidence is currently insufficient to determine the role of this variant in disease. Therefore, it has been classified as a Variant of Uncertain Significance.

Fulgent Genetics
Classification: Uncertain significance for Familial cancer of breast; Breast-ovarian cancer, familial, susceptibility to, 1; Pancreatic cancer, susceptibility to, 4; Fanconi anemia, complementation group S. Last evaluated: 2018-10-31. Review status: criteria provided, single submitter. Criteria: ACMG Guidelines, 2015. Collection method: clinical testing. Allele origin: unknown.

GeneDx
Classification: Uncertain significance. Last evaluated: 2017-02-01. Review status: criteria provided, single submitter. Criteria: GeneDx Variant Classification (06012015). Collection method: clinical testing. Allele origin: germline. Affected: yes.
Comment: This variant is denoted BRCA1 c.3403C>G at the cDNA level, p.Gln1135Glu (Q1135E) at the protein level, and results in the change of a Glutamine to a Glutamic Acid (CAG>GAG). Using alternate nomenclature, this variant would be defined as BRCA1 3522C>G. This variant has not, to our knowledge, been published in the literature as pathogenic or benign. BRCA1 Gln1135Glu was not observed in approximately 6,500 individuals of European and African American ancestry in the NHLBI Exome Sequencing Project, suggesting it is not a common benign variant in these populations. Since Glutamine and Glutamic Acid differ in some properties, this is considered a semi-conservative amino acid substitution. BRCA1 Gln1135Glu occurs at a position that is not conserved and is not located in a known functional domain. In silico analyses are inconsistent regarding the effect this variant may have on protein structure and function. Based on currently available evidence, it is unclear whether BRCA1 Gln1135Glu is a pathogenic or benign variant. We consider it to be a variant of uncertain significance.

Literature cited by the submitters: PubMed 28692638 (cited by 3 submitters); PubMed 31853058 (cited by Color Diagnostics, LLC DBA Color Health).